The following is an entry in ClinVar:

ClinVar aggregate classification (germline): Uncertain significance (1 of 4 stars; one submission).

Allele frequency attached by ClinVar (database versions not stated): gnomAD 0.00001.

Submission:

Labcorp Genetics (formerly Invitae), Labcorp
Classification: Uncertain significance. Last evaluated: 2021-05-20. Review status: criteria provided, single submitter. Criteria: Invitae Variant Classification Sherloc (09022015). Collection method: clinical testing. Allele origin: germline.
Comment: In summary, the available evidence is currently insufficient to determine the role of this variant in disease. Therefore, it has been classified as a Variant of Uncertain Significance. Algorithms developed to predict the effect of missense changes on protein structure and function output the following: SIFT: "Tolerated"; PolyPhen-2: "Benign"; Align-GVGD: "Class C0". The arginine amino acid residue is found in multiple mammalian species, suggesting that this missense change does not adversely affect protein function. These predictions have not been confirmed by published functional studies and their clinical significance is uncertain. This variant has not been reported in the literature in individuals with CDCA7-related conditions. This variant is present in population databases (rs201805730, ExAC 0.002%). This sequence change replaces histidine with arginine at codon 145 of the CDCA7 protein (p.His145Arg). The histidine residue is weakly conserved and there is a small physicochemical difference between histidine and arginine.

NM_031942.5(CDCA7):c.434A>G (p.His145Arg)

Gene: CDCA7 (cell division cycle associated 7; plus strand). Cytogenetic location: 2q31.1.
Variant type: single nucleotide variant.
Coding change: c.434A>G on transcript NM_031942.5 (MANE Select); coding-DNA position 434, A replaced by G.
Protein change: p.His145Arg; replaces histidine 145 with arginine.
Molecular consequence: missense variant.
Genome position (GRCh38, 1-based): chr2:173,363,275, A>G. VCF-style: chr2-173363275-A-G. GRCh37 (hg19) VCF-style: chr2-174228003-A-G.
Other names: c.197A>G, p.His66Arg (NM_145810.3); short protein forms H145R, H66R.
Identifiers: ClinVar variation 1525858 (VCV001525858.6), dbSNP rs201805730, ClinGen allele CA1971243.